The following is an entry in ClinVar:

ClinVar aggregate classification (germline): Uncertain significance (1 of 4 stars; one submission).

Conditions:
Multiple gastrointestinal atresias. Also called: FAMILIAL INTESTINAL POLYATRESIA SYNDROME; Multiple intestinal atresia. Identifiers: Orphanet 2300, MedGen C0220744, MONDO:0009465.

Allele frequency attached by ClinVar (database versions not stated): gnomAD exomes below 0.00001 and 0.00001; TOPMed below 0.00001.
gnomAD v4.1: 4 of 1,614,096 alleles (0.00025%); highest among the groups gnomAD compares: Admixed American, 0.0017%; no homozygotes.

Submission:

Labcorp Genetics (formerly Invitae), Labcorp
Classification: Uncertain significance for Multiple gastrointestinal atresias. Last evaluated: 2022-07-12. Review status: criteria provided, single submitter. Criteria: Invitae Variant Classification Sherloc (09022015). Collection method: clinical testing. Allele origin: germline.
Comment: Algorithms developed to predict the effect of missense changes on protein structure and function output the following: SIFT: "Tolerated"; PolyPhen-2: "Benign"; Align-GVGD: "Class C0". The glutamine amino acid residue is found in multiple mammalian species, which suggests that this missense change does not adversely affect protein function. In summary, the available evidence is currently insufficient to determine the role of this variant in disease. Therefore, it has been classified as a Variant of Uncertain Significance. ClinVar contains an entry for this variant (Variation ID: 1412764). This variant has not been reported in the literature in individuals affected with TTC7A-related conditions. This variant is present in population databases (no rsID available, gnomAD 0.003%). This sequence change replaces histidine, which is basic and polar, with glutamine, which is neutral and polar, at codon 230 of the TTC7A protein (p.His230Gln).

NM_020458.4(TTC7A):c.690C>A (p.His230Gln)

Gene: TTC7A (tetratricopeptide repeat domain 7A; plus strand). Cytogenetic location: 2p21.
Variant type: single nucleotide variant.
Coding change: c.690C>A on transcript NM_020458.4 (MANE Select); coding-DNA position 690, C replaced by A.
Protein change: p.His230Gln; replaces histidine 230 with glutamine.
Molecular consequence: missense variant. On other transcripts: 5 prime UTR variant (1).
Genome position (GRCh38, 1-based): chr2:46,978,833, C>A. VCF-style: chr2-46978833-C-A. GRCh37 (hg19) VCF-style: chr2-47205972-C-A.
Other names: c.690C>A, p.His230Gln (NM_001288951.2); c.588C>A, p.His196Gln (NM_001288953.2); c.-215C>A (NM_001288955.2); short protein forms H230Q, H196Q.
Identifiers: ClinVar variation 1412764 (VCV001412764.4), dbSNP rs971396412, ClinGen allele CA46631866.
Genomic context (GRCh38, chr2:46,978,833, plus strand): 5'-TCTCTGTTTCCCTTCCCAGACCACAAATAACAGCACGTCGAGGCATCTGAAAGGCTGTCA[C>A]CCGCTTGACTATGAGCTCACCTACTTCCTGGAAGCTGCCCTCCAGAGCGCCTATGTGAAA-3'
Protein context (NP_065191.2, residues 220-240): NSTSRHLKGC[His230Gln]PLDYELTYFL